The following is an entry in ClinVar:

NM_001376.5(DYNC1H1):c.11486T>C (p.Leu3829Pro)

Gene: DYNC1H1 (dynein cytoplasmic 1 heavy chain 1; plus strand). Cytogenetic location: 14q32.31.
Variant type: single nucleotide variant.
Coding change: c.11486T>C on transcript NM_001376.5 (MANE Select); coding-DNA position 11486, T replaced by C.
Protein change: p.Leu3829Pro; replaces leucine 3829 with proline.
Molecular consequence: missense variant.
Genome position (GRCh38, 1-based): chr14:102,039,437, T>C. VCF-style: chr14-102039437-T-C. GRCh37 (hg19) VCF-style: chr14-102505774-T-C.
Other names: short protein forms L3829P.
Identifiers: ClinVar variation 3636179 (VCV003636179.2).
Genomic context (GRCh38, chr14:102,039,437, plus strand): 5'-GAGCTGCCTCACCGCTGCCCACTGCTTCCTTTCAGATACACTTCTTGTACCAGTACTCCC[T>C]CCAGTTTTTCCTGGACATTTATCACAACGTCCTATACGAGAACCCGAACCTGAAGGGTGT-3'
Protein context (NP_001367.2, residues 3819-3839): KQIHFLYQYS[Leu3829Pro]QFFLDIYHNV

ClinVar aggregate classification (germline): Uncertain significance (1 of 4 stars; one submission).

Conditions:
Charcot-Marie-Tooth disease axonal type 2O. Also called: Charcot-Marie-Tooth disease, axonal, type 20; CHARCOT-MARIE-TOOTH NEUROPATHY, AXONAL, TYPE 2O; CHARCOT-MARIE-TOOTH DISEASE, AXONAL, AUTOSOMAL DOMINANT, TYPE 2O; Charcot-Marie-Tooth Neuropathy Type 2O. Identifiers: Orphanet 284232, MedGen C3280220, MONDO:0013644, OMIM 614228.

Submission:

Labcorp Genetics (formerly Invitae), Labcorp
Classification: Uncertain significance for Charcot-Marie-Tooth disease axonal type 2O. Last evaluated: 2024-11-26. Review status: criteria provided, single submitter. Criteria: Invitae Variant Classification Sherloc (09022015). Collection method: clinical testing. Allele origin: germline.
Comment: This sequence change replaces leucine, which is neutral and non-polar, with proline, which is neutral and non-polar, at codon 3829 of the DYNC1H1 protein (p.Leu3829Pro). This variant is not present in population databases (gnomAD no frequency). This variant has not been reported in the literature in individuals affected with DYNC1H1-related conditions. Invitae Evidence Modeling of protein sequence and biophysical properties (such as structural, functional, and spatial information, amino acid conservation, physicochemical variation, residue mobility, and thermodynamic stability) indicates that this missense variant is expected to disrupt DYNC1H1 protein function with a positive predictive value of 95%. In summary, the available evidence is currently insufficient to determine the role of this variant in disease. Therefore, it has been classified as a Variant of Uncertain Significance.